The following is an entry in ClinVar:

NM_001171.6(ABCC6):c.1141T>C (p.Leu381=)

Gene: ABCC6 (ATP binding cassette subfamily C member 6; minus strand). Cytogenetic location: 16p13.11.
Variant type: single nucleotide variant.
Coding change: c.1141T>C on transcript NM_001171.6 (MANE Select); coding-DNA position 1141, T replaced by C.
Protein change: p.Leu381=; no amino-acid change (leucine 381 retained).
Molecular consequence: synonymous variant. On other transcripts: non-coding transcript variant (1).
Genome position (GRCh38, 1-based): chr16:16,202,036, A>G on the plus strand (T>C on the coding strand, the complement: ABCC6 is on the minus strand). VCF-style: chr16-16202036-A-G. GRCh37 (hg19) VCF-style: chr16-16295893-A-G.
Other names: c.799T>C, p.Leu267= (NM_001351800.1).
Identifiers: ClinVar variation 433222 (VCV000433222.5), dbSNP rs72664284, ClinGen allele CA7926455.

ClinVar aggregate classification (germline): Likely benign. Review status: criteria provided, multiple submitters, no conflicts (2 of 4 stars). 3 submissions from 3 submitters: Likely benign (2). 1 of the submissions does not count toward it. Last evaluated 2024-11-12.

Conditions:
Autosomal recessive inherited pseudoxanthoma elasticum (PXE). Identifiers: Orphanet 758, MedGen CN032334, MONDO:0009925, OMIM 264800.

Allele frequency attached by ClinVar (database versions not stated): ExAC 0.00003; gnomAD exomes 0.00005 and 0.00008; gnomAD 0.00018; 1000 Genomes Project 0.00020.
gnomAD v4.1: 136 of 1,613,524 alleles (0.0084%); highest among the groups gnomAD compares: East Asian, 0.078%; 1 homozygote.

Submissions (3):

Blueprint Genetics
Classification: Likely benign. Last evaluated: 2024-11-12. Review status: criteria provided, single submitter. Criteria: ACMG Guidelines, 2015. Collection method: clinical testing. Allele origin: germline.

GeneDx
Classification: Likely benign. Last evaluated: 2021-05-28. Review status: criteria provided, single submitter. Criteria: GeneDx Variant Classification Process June 2021. Collection method: clinical testing. Allele origin: germline. Affected: yes.
Comment: This variant is associated with the following publications: (PMID: 11536079)

PXE International
Classification: Likely benign for Autosomal recessive inherited pseudoxanthoma elasticum. Last evaluated: 2021-03-01. Review status: no assertion criteria provided. Collection method: research. Allele origin: germline. Inheritance: Autosomal recessive inheritance. Affected: yes. Not counted in ClinVar's aggregate classification.

Literature cited by the submitters: PubMed 11692167 (cited by PXE International).